The following is an entry in ClinVar:

NM_173689.7(CRB2):c.2961C>T (p.Arg987=)

Gene: CRB2 (crumbs cell polarity complex component 2; plus strand). Cytogenetic location: 9q33.3.
Variant type: single nucleotide variant.
Coding change: c.2961C>T on transcript NM_173689.7 (MANE Select); coding-DNA position 2961, C replaced by T.
Protein change: p.Arg987=; no amino-acid change (arginine 987 retained).
Molecular consequence: synonymous variant. On other transcripts: non-coding transcript variant (1).
Genome position (GRCh38, 1-based): chr9:123,373,492, C>T. VCF-style: chr9-123373492-C-T. GRCh37 (hg19) VCF-style: chr9-126135771-C-T.
Other names: c.2961C>T (NM_173689.6).
Identifiers: ClinVar variation 1656195 (VCV001656195.10), dbSNP rs760240136, ClinGen allele CA5232329.

ClinVar aggregate classification (germline): Benign. Review status: criteria provided, single submitter (1 of 4 stars). 2 submissions from 2 submitters: Benign (1). 1 of the submissions does not count toward it. Last evaluated 2026-01-05.

Conditions:
CRB2-related disorder. Also called: CRB2-related condition; CRB2-related disorders.

Allele frequency attached by ClinVar (database versions not stated): gnomAD exomes 0.00004 and 0.00051; 1000 Genomes Project 30x 0.00047; ExAC 0.00135.
gnomAD v4.1: 66 of 1,453,476 alleles (0.0045%); highest among the groups gnomAD compares: Admixed American, 0.18%; no homozygotes.

Submissions (2):

Labcorp Genetics (formerly Invitae), Labcorp
Classification: Benign. Last evaluated: 2026-01-05. Review status: criteria provided, single submitter. Criteria: Invitae Variant Classification Sherloc (09022015). Collection method: clinical testing. Allele origin: germline.

PreventionGenetics, part of Exact Sciences
Classification: Likely benign for CRB2-related condition. Last evaluated: 2024-01-25. Review status: no assertion criteria provided. Collection method: clinical testing. Allele origin: germline. Not counted in ClinVar's aggregate classification.
Comment: This variant is classified as likely benign based on ACMG/AMP sequence variant interpretation guidelines (Richards et al. 2015 PMID: 25741868, with internal and published modifications).